The following is an entry in ClinVar:

ClinVar aggregate classification (germline): Uncertain significance (1 of 4 stars; one submission).

Conditions:
Congenital myasthenic syndrome 15. Also called: Myasthenic syndrome, congenital, 15, without tubular aggregates. Identifiers: Orphanet 353327, Orphanet 590, MedGen C4015596, MONDO:0014542, OMIM 616227.

gnomAD v4.1: 2 of 1,614,182 alleles (0.00012%); highest among the groups gnomAD compares: Non-Finnish European, 0.00017%; no homozygotes.

Submission:

Labcorp Genetics (formerly Invitae), Labcorp
Classification: Uncertain significance for Congenital myasthenic syndrome 15. Last evaluated: 2022-11-01. Review status: criteria provided, single submitter. Criteria: Invitae Variant Classification Sherloc (09022015). Collection method: clinical testing. Allele origin: germline.
Comment: Algorithms developed to predict the effect of missense changes on protein structure and function (SIFT, PolyPhen-2, Align-GVGD) all suggest that this variant is likely to be tolerated. In summary, the available evidence is currently insufficient to determine the role of this variant in disease. Therefore, it has been classified as a Variant of Uncertain Significance. ClinVar contains an entry for this variant (Variation ID: 1370026). This variant has not been reported in the literature in individuals affected with ALG14-related conditions. This variant is not present in population databases (gnomAD no frequency). This sequence change replaces isoleucine, which is neutral and non-polar, with serine, which is neutral and polar, at codon 168 of the ALG14 protein (p.Ile168Ser).

NM_144988.4(ALG14):c.503T>G (p.Ile168Ser)

Gene: ALG14 (ALG14 UDP-N-acetylglucosaminyltransferase subunit; minus strand). Cytogenetic location: 1p21.3.
Variant type: single nucleotide variant.
Coding change: c.503T>G on transcript NM_144988.4 (MANE Select); coding-DNA position 503, T replaced by G.
Protein change: p.Ile168Ser; replaces isoleucine 168 with serine.
Molecular consequence: missense variant. On other transcripts: 3 prime UTR variant (1), non-coding transcript variant (1).
Genome position (GRCh38, 1-based): chr1:94,983,224, A>C on the plus strand (T>G on the coding strand, the complement: ALG14 is on the minus strand). VCF-style: chr1-94983224-A-C. GRCh37 (hg19) VCF-style: chr1-95448780-A-C.
Other names: c.*72T>G (NM_001305242.2); short protein forms I168S.
Identifiers: ClinVar variation 1370026 (VCV001370026.4), dbSNP rs1431105428, ClinGen allele CA341364557.
Genomic context (GRCh38, chr1:94,983,224, plus strand): 5'-AGAATCTTTCCGGACATGGATAACGTTTCTACACGGCAGATGCTTTCAACGTAGACAATG[A>C]TCACTTTCTTTATTCCTAGTATCCCAAGGAGAAGGGCAGATACACAGATAGGAACACATG-3'
Protein context (NP_659425.1, residues 158-178): LLGILGIKKV[Ile168Ser]IVYVESICRV